The following is an entry in ClinVar:

ClinVar aggregate classification (germline): Uncertain significance (1 of 4 stars; one submission).

Allele frequency attached by ClinVar (database versions not stated): TOPMed below 0.00001.

Submission:

GeneDx
Classification: Uncertain significance. Last evaluated: 2022-04-29. Review status: criteria provided, single submitter. Criteria: GeneDx Variant Classification Process June 2021. Collection method: clinical testing. Allele origin: germline. Affected: yes.
Comment: Not observed at significant frequency in large population cohorts (gnomAD); In silico analysis supports that this missense variant does not alter protein structure/function; Has not been previously published as pathogenic or benign to our knowledge

NM_078480.3(PUF60):c.28G>A (p.Val10Ile)

Gene: PUF60 (poly(U) binding splicing factor 60; minus strand). Cytogenetic location: 8q24.3.
Variant type: single nucleotide variant.
Coding change: c.28G>A on transcript NM_078480.3 (MANE Select); coding-DNA position 28, G replaced by A.
Protein change: p.Val10Ile; replaces valine 10 with isoleucine.
Molecular consequence: missense variant. On other transcripts: 5 prime UTR variant (2), initiator codon variant (2), genic upstream transcript variant (2).
Genome position (GRCh38, 1-based): chr8:143,824,396, C>T on the plus strand (G>A on the coding strand, the complement: PUF60 is on the minus strand). VCF-style: chr8-143824396-C-T. GRCh37 (hg19) VCF-style: chr8-144906566-C-T.
Other names: c.-102G>A (NM_001136033.3, NM_001271100.2); c.25G>A, p.Val9Ile (NM_001271096.2, NM_001271098.2); c.139G>A, p.Val47Ile (NM_001362895.2, NM_001362896.2, NM_001362897.2); c.28G>A, p.Val10Ile (NM_014281.5); c.25-2483G>A (NM_001271097.2, NM_001271099.2); short protein forms V10I, V47I, V9I.
Identifiers: ClinVar variation 1712719 (VCV001712719.3), dbSNP rs1817407191, ClinGen allele CA372449563.